The following is an entry in ClinVar:

ClinVar aggregate classification (germline): Pathogenic. Review status: criteria provided, multiple submitters, no conflicts (2 of 4 stars). 5 submissions from 5 submitters: Pathogenic (3). 2 of the submissions do not count toward it. Last evaluated 2024-07-22.

Conditions:
Thrombophilia, X-linked, due to factor 9 defect. Identifiers: MedGen C2749016, MONDO:0010432, OMIM 300807.
Hereditary factor IX deficiency disease (HEMB). Also called: F9 DEFICIENCY; FACTOR IX DEFICIENCY; Hemophilia B; Christmas Disease; PLASMA THROMBOPLASTIN COMPONENT DEFICIENCY. Identifiers: Orphanet 98879, MedGen C0008533, MeSH D002836, MONDO:0010604, OMIM 306900.

Submissions (5):

Mayo Clinic Laboratories, Mayo Clinic
Classification: Pathogenic. Last evaluated: 2024-07-22. Review status: criteria provided, single submitter. Criteria: ACMG Guidelines, 2015. Collection method: clinical testing. Allele origin: germline. Observed: 1 variant allele.
Comment: PP1_strong, PM2, PS4_moderate, PVS1_strong

Labcorp Genetics (formerly Invitae), Labcorp
Classification: Pathogenic for Thrombophilia, X-linked, due to factor 9 defect; Hereditary factor IX deficiency disease. Last evaluated: 2023-07-16. Review status: criteria provided, single submitter. Criteria: Invitae Variant Classification Sherloc (09022015). Collection method: clinical testing. Allele origin: germline.
Comment: This premature translational stop signal has been observed in individuals with Hemophilia B (PMID: 1969838, 8091381, 22544209, 31026269). For these reasons, this variant has been classified as Pathogenic. ClinVar contains an entry for this variant (Variation ID: 10612). This variant is also known as Arg333Gln. This variant is not present in population databases (gnomAD no frequency). This sequence change creates a premature translational stop signal (p.Arg379*) in the F9 gene. While this is not anticipated to result in nonsense mediated decay, it is expected to disrupt the last 83 amino acid(s) of the F9 protein.

ARUP Laboratories, Molecular Genetics and Genomics, ARUP Laboratories
Classification: Pathogenic. Last evaluated: 2018-10-02. Review status: criteria provided, single submitter. Criteria: ARUP Molecular Germline Variant Investigation Process. Collection method: clinical testing. Allele origin: germline.
Comment: The F9 c.1135C>T; p.Arg379Ter variant (rs137852258), also known as Arg333Ter, has been described in several individuals affected with severe hemophilia B (see link to F9 database and references therein). This variant is absent from general population databases (1000 Genomes Project, Exome Variant Server, and Genome Aggregation Database), indicating it is not a common polymorphism. This variant induces an early termination codon, other truncating variants have been identified occurring further into the C terminus, and at least two of these variants result in a stable mRNA (F9 database, Li 2013, Gitschier 1985). Therefore, this nonsense variant likely results in a truncated protein and is considered pathogenic. References: Link to F9 database: Li T et al. The CDC Hemophilia B mutation project mutation list: a new online resource. Mol Genet Genomic Med. 2013 Nov;1(4):238-45. Gitschier J et al. Genetic mapping and diagnosis of haemophilia A achieved through a BclI polymorphism in the factor VIII gene. Nature. 1985 Apr 25-May 1;314(6013):738-40.

Angelo Bianchi Bonomi Hemophilia and Thrombosis Center, Fondazione IRCCS Ca Granda Ospedale Maggiore Policlinico
Classification: Pathogenic for Hereditary factor IX deficiency disease. Last evaluated: 2019-06-01. Review status: no assertion criteria provided. Collection method: clinical testing. Allele origin: germline. Affected: yes. Observed: 1 variant allele. Not counted in ClinVar's aggregate classification.

OMIM
Classification: Pathogenic for HEMOPHILIA B. Last evaluated: 1990-08-01. Review status: no assertion criteria provided. Collection method: literature only. Allele origin: germline. Not counted in ClinVar's aggregate classification.

Literature cited by the submitters: PubMed 10792479 (cited by Mayo Clinic Laboratories, Mayo Clinic); PubMed 17014892 (cited by Mayo Clinic Laboratories, Mayo Clinic); PubMed 18479429 (cited by Mayo Clinic Laboratories, Mayo Clinic and Angelo Bianchi Bonomi Hemophilia and Thrombosis Center, Fondazione IRCCS Ca Granda Ospedale Maggiore Policlinico); PubMed 1969838 (cited by 3 submitters); PubMed 20695909 (cited by Mayo Clinic Laboratories, Mayo Clinic and Angelo Bianchi Bonomi Hemophilia and Thrombosis Center, Fondazione IRCCS Ca Granda Ospedale Maggiore Policlinico); PubMed 22544209 (cited by 3 submitters); PubMed 23093250 (cited by Mayo Clinic Laboratories, Mayo Clinic and Angelo Bianchi Bonomi Hemophilia and Thrombosis Center, Fondazione IRCCS Ca Granda Ospedale Maggiore Policlinico); PubMed 29274203 (cited by Mayo Clinic Laboratories, Mayo Clinic); PubMed 29296726 (cited by Mayo Clinic Laboratories, Mayo Clinic); PubMed 30210749 (cited by Mayo Clinic Laboratories, Mayo Clinic); PubMed 32155688 (cited by Mayo Clinic Laboratories, Mayo Clinic); PubMed 32224444 (cited by Mayo Clinic Laboratories, Mayo Clinic); PubMed 33215798 (cited by Mayo Clinic Laboratories, Mayo Clinic); PubMed 8091381 (cited by Labcorp Genetics (formerly Invitae), Labcorp and Angelo Bianchi Bonomi Hemophilia and Thrombosis Center, Fondazione IRCCS Ca Granda Ospedale Maggiore Policlinico); PubMed 31026269 (cited by Labcorp Genetics (formerly Invitae), Labcorp); PubMed 15921378 (cited by Angelo Bianchi Bonomi Hemophilia and Thrombosis Center, Fondazione IRCCS Ca Granda Ospedale Maggiore Policlinico); PubMed 18624698 (cited by Angelo Bianchi Bonomi Hemophilia and Thrombosis Center, Fondazione IRCCS Ca Granda Ospedale Maggiore Policlinico); PubMed 2093364 (cited by Angelo Bianchi Bonomi Hemophilia and Thrombosis Center, Fondazione IRCCS Ca Granda Ospedale Maggiore Policlinico); PubMed 2066105 (cited by Angelo Bianchi Bonomi Hemophilia and Thrombosis Center, Fondazione IRCCS Ca Granda Ospedale Maggiore Policlinico); PubMed 8365725 (cited by Angelo Bianchi Bonomi Hemophilia and Thrombosis Center, Fondazione IRCCS Ca Granda Ospedale Maggiore Policlinico); PubMed 16270648 (cited by Angelo Bianchi Bonomi Hemophilia and Thrombosis Center, Fondazione IRCCS Ca Granda Ospedale Maggiore Policlinico); PubMed 1680287 (cited by Angelo Bianchi Bonomi Hemophilia and Thrombosis Center, Fondazione IRCCS Ca Granda Ospedale Maggiore Policlinico); PubMed 1579901 (cited by Angelo Bianchi Bonomi Hemophilia and Thrombosis Center, Fondazione IRCCS Ca Granda Ospedale Maggiore Policlinico); PubMed 8434583 (cited by Angelo Bianchi Bonomi Hemophilia and Thrombosis Center, Fondazione IRCCS Ca Granda Ospedale Maggiore Policlinico); PubMed 8470048 (cited by Angelo Bianchi Bonomi Hemophilia and Thrombosis Center, Fondazione IRCCS Ca Granda Ospedale Maggiore Policlinico); PubMed 8257988 (cited by Angelo Bianchi Bonomi Hemophilia and Thrombosis Center, Fondazione IRCCS Ca Granda Ospedale Maggiore Policlinico); PubMed 11328285 (cited by Angelo Bianchi Bonomi Hemophilia and Thrombosis Center, Fondazione IRCCS Ca Granda Ospedale Maggiore Policlinico); PubMed 12588353 (cited by Angelo Bianchi Bonomi Hemophilia and Thrombosis Center, Fondazione IRCCS Ca Granda Ospedale Maggiore Policlinico); PubMed 8055323 (cited by Angelo Bianchi Bonomi Hemophilia and Thrombosis Center, Fondazione IRCCS Ca Granda Ospedale Maggiore Policlinico); PubMed 8499919 (cited by Angelo Bianchi Bonomi Hemophilia and Thrombosis Center, Fondazione IRCCS Ca Granda Ospedale Maggiore Policlinico); PubMed 8825645 (cited by Angelo Bianchi Bonomi Hemophilia and Thrombosis Center, Fondazione IRCCS Ca Granda Ospedale Maggiore Policlinico); PubMed 7873393 (cited by Angelo Bianchi Bonomi Hemophilia and Thrombosis Center, Fondazione IRCCS Ca Granda Ospedale Maggiore Policlinico); PubMed 10739381 (cited by Angelo Bianchi Bonomi Hemophilia and Thrombosis Center, Fondazione IRCCS Ca Granda Ospedale Maggiore Policlinico); PubMed 10698280 (cited by Angelo Bianchi Bonomi Hemophilia and Thrombosis Center, Fondazione IRCCS Ca Granda Ospedale Maggiore Policlinico); PubMed 10595634 (cited by Angelo Bianchi Bonomi Hemophilia and Thrombosis Center, Fondazione IRCCS Ca Granda Ospedale Maggiore Policlinico); PubMed 2220823 (cited by Angelo Bianchi Bonomi Hemophilia and Thrombosis Center, Fondazione IRCCS Ca Granda Ospedale Maggiore Policlinico); PubMed 17397055 (cited by Angelo Bianchi Bonomi Hemophilia and Thrombosis Center, Fondazione IRCCS Ca Granda Ospedale Maggiore Policlinico); PubMed 19686262 (cited by Angelo Bianchi Bonomi Hemophilia and Thrombosis Center, Fondazione IRCCS Ca Granda Ospedale Maggiore Policlinico); Zhang, M., Chen, S.-H., Thompson, A. R., Lovrien, E., Scott, C. R. CG dinucleotides are 'hot spots' in the factor IX gene for point mutations: evidence from the study of 25 families with defined mutations causing hemophilia B. (Abstract) Am. J. Hum. Genet. 45: A231, 1989. (cited by OMIM); PubMed 2198809 (cited by OMIM).

NM_000133.4(F9):c.1135C>T (p.Arg379Ter)

Gene: F9 (coagulation factor IX; plus strand). Cytogenetic location: Xq27.1.
Variant type: single nucleotide variant.
Coding change: c.1135C>T on transcript NM_000133.4 (MANE Select); coding-DNA position 1135, C replaced by T.
Protein change: p.Arg379Ter; replaces arginine 379 with a stop codon.
Molecular consequence: nonsense.
Genome position (GRCh38, 1-based): chrX:139,561,820, C>T. VCF-style: chrX-139561820-C-T. GRCh37 (hg19) VCF-style: chrX-138643979-C-T.
Other names: F9, ARG333TER; R333*; p.Arg379*; c.1021C>T, p.Arg341Ter (NM_001313913.2); short protein forms R379*, R341*.
Identifiers: ClinVar variation 10612 (VCV000010612.20), dbSNP rs137852258, ClinGen allele CA255391.